The following is an entry in ClinVar:

ClinVar aggregate classification (germline): Uncertain significance. Review status: criteria provided, multiple submitters, no conflicts (2 of 4 stars). 2 submissions from 2 submitters: Uncertain significance (2). Last evaluated 2025-08-14.

gnomAD v4.1: 83 of 1,604,408 alleles (0.0052%); highest among the groups gnomAD compares: Non-Finnish European, 0.0069%; no homozygotes.

Submissions (2):

Ambry Genetics
Classification: Uncertain significance. Last evaluated: 2025-08-14. Review status: criteria provided, single submitter. Criteria: Ambry Variant Classification Scheme 2023. Collection method: clinical testing. Allele origin: germline.

Labcorp Genetics (formerly Invitae), Labcorp
Classification: Uncertain significance. Last evaluated: 2024-03-25. Review status: criteria provided, single submitter. Criteria: Invitae Variant Classification Sherloc (09022015). Collection method: clinical testing. Allele origin: germline.
Comment: This sequence change replaces proline, which is neutral and non-polar, with serine, which is neutral and polar, at codon 920 of the TNK2 protein (p.Pro920Ser). This variant is present in population databases (rs780578357, gnomAD 0.008%). This variant has not been reported in the literature in individuals affected with TNK2-related conditions. An algorithm developed to predict the effect of missense changes on protein structure and function (PolyPhen-2) suggests that this variant is likely to be tolerated. In summary, the available evidence is currently insufficient to determine the role of this variant in disease. Therefore, it has been classified as a Variant of Uncertain Significance.

NM_001382273.1(TNK2):c.2569C>T (p.Pro857Ser)

Gene: TNK2 (tyrosine kinase non receptor 2; minus strand). Cytogenetic location: 3q29.
Variant type: single nucleotide variant.
Coding change: c.2569C>T on transcript NM_001382273.1 (MANE Select); coding-DNA position 2569, C replaced by T.
Protein change: p.Pro857Ser; replaces proline 857 with serine.
Molecular consequence: missense variant. On other transcripts: non-coding transcript variant (15).
Genome position (GRCh38, 1-based): chr3:195,867,729, G>A on the plus strand (C>T on the coding strand, the complement: TNK2 is on the minus strand). VCF-style: chr3-195867729-G-A. GRCh37 (hg19) VCF-style: chr3-195594600-G-A.
Other names: c.2596C>T, p.Pro866Ser (NM_001387715.1, NM_001387708.1); c.2569C>T, p.Pro857Ser (NM_001387716.1, NM_001387717.1, NM_001387718.1 and 1 more transcripts); c.2524C>T, p.Pro842Ser (NM_001387719.1, NM_001387720.1, NM_001387721.1 and 8 more transcripts); c.2641C>T, p.Pro881Ser (NM_001010938.2, NM_001382272.1); c.2620C>T, p.Pro874Ser (NM_001308046.2, NM_001382271.1); c.2665C>T, p.Pro889Ser (NM_001382275.1, NM_001387707.1); c.2758C>T (NM_001010938.1); short protein forms P874S, P881S, P857S, P866S, P842S, P889S.
Identifiers: ClinVar variation 3635196 (VCV003635196.3).